The following is an entry in ClinVar:

ClinVar aggregate classification (germline): Likely pathogenic (1 of 4 stars; one submission).

Submission:

GeneDx
Classification: Likely pathogenic. Last evaluated: 2025-11-20. Review status: criteria provided, single submitter. Criteria: GeneDx Variant Classification Process June 2021. Collection method: clinical testing. Allele origin: germline.
Comment: Not observed at significant frequency in large population cohorts (gnomAD); In silico analysis supports that this missense variant has a deleterious effect on protein structure/function; Has not been previously published as pathogenic or benign to our knowledge; This variant is associated with the following publications: (PMID: 24658002)

NM_003072.5(SMARCA4):c.2960A>C (p.Gln987Pro)

Gene: SMARCA4 (SWI/SNF related BAF chromatin remodeling complex subunit ATPase 4; plus strand). Cytogenetic location: 19p13.2.
Variant type: single nucleotide variant.
Coding change: c.2960A>C on transcript NM_003072.5 (MANE Select); coding-DNA position 2960, A replaced by C.
Protein change: p.Gln987Pro; replaces glutamine 987 with proline.
Molecular consequence: missense variant. On other transcripts: non-coding transcript variant (1).
Genome position (GRCh38, 1-based): chr19:11,023,618, A>C. VCF-style: chr19-11023618-A-C. GRCh37 (hg19) VCF-style: chr19-11134294-A-C.
Other names: c.2960A>C, p.Gln987Pro (NM_001128844.3, NM_001128845.2, NM_001128846.2 and 6 more transcripts); short protein forms Q987P.
Identifiers: ClinVar variation 4282255 (VCV004282255.2).